The following is an entry in ClinVar:

NM_006035.4(CDC42BPB):c.2711A>G (p.Asn904Ser)

Gene: CDC42BPB (CDC42 binding protein kinase beta; minus strand). Cytogenetic location: 14q32.32.
Variant type: single nucleotide variant.
Coding change: c.2711A>G on transcript NM_006035.4 (MANE Select); coding-DNA position 2711, A replaced by G.
Protein change: p.Asn904Ser; replaces asparagine 904 with serine.
Molecular consequence: missense variant.
Genome position (GRCh38, 1-based): chr14:102,964,517, T>C on the plus strand (A>G on the coding strand, the complement: CDC42BPB is on the minus strand). VCF-style: chr14-102964517-T-C. GRCh37 (hg19) VCF-style: chr14-103430854-T-C.
Other names: c.2711A>G, p.Asn904Ser (NM_001411054.1); short protein forms N904S.
Identifiers: ClinVar variation 3049090 (VCV003049090.12), dbSNP rs200090522, ClinGen allele CA7360980.

ClinVar aggregate classification (germline): Benign/Likely benign. Review status: criteria provided, multiple submitters, no conflicts (2 of 4 stars). 4 submissions from 4 submitters: Benign (1); Likely benign (2). 1 of the submissions does not count toward it. Last evaluated 2025-07-01.

Conditions:
CDC42BPB-related disorder.
Inborn genetic diseases. Identifiers: MedGen C0950123, MeSH D030342.

Allele frequency attached by ClinVar (database versions not stated): TOPMed 0.00018; 1000 Genomes Project 30x 0.00234; 1000 Genomes Project 0.00260.
gnomAD v4.1: 1,130 of 1,613,688 alleles (0.07%); highest among the groups gnomAD compares: South Asian, 1.1%; 14 homozygotes.

Submissions (4):

CeGaT Center for Human Genetics Tuebingen
Classification: Benign. Last evaluated: 2025-07-01. Review status: criteria provided, single submitter. Criteria: CeGaT Center For Human Genetics Tuebingen Variant Classification Criteria Version 2. Collection method: clinical testing. Allele origin: germline. Affected: yes. Observed: 1 variant allele.
Comment: CDC42BPB: BP4, BS1, BS2

Blueprint Genetics
Classification: Likely benign. Last evaluated: 2024-11-19. Review status: criteria provided, single submitter. Criteria: ACMG Guidelines, 2015. Collection method: clinical testing. Allele origin: germline.

Ambry Genetics
Classification: Likely benign for Inborn genetic diseases. Last evaluated: 2022-12-19. Review status: criteria provided, single submitter. Criteria: Ambry Variant Classification Scheme 2023. Collection method: clinical testing. Allele origin: germline.

PreventionGenetics, part of Exact Sciences
Classification: Benign for CDC42BPB-related condition. Last evaluated: 2021-03-24. Review status: no assertion criteria provided. Collection method: clinical testing. Allele origin: germline. Not counted in ClinVar's aggregate classification.
Comment: This variant is classified as benign based on ACMG/AMP sequence variant interpretation guidelines (Richards et al. 2015 PMID: 25741868, with internal and published modifications).